The following is an entry in ClinVar:

ClinVar aggregate classification (germline): Uncertain significance (1 of 4 stars; one submission).

Conditions:
Dyskeratosis congenita, autosomal dominant 1 (DKCA1). Also called: Dyskeratosis congenita Scoggins type. Identifiers: Orphanet 1775, MedGen C4551974, MONDO:0007485, OMIM 127550. Inheritance: Variable.

gnomAD v4.1: 1 of 741,676 alleles (0.00013%); highest among the groups gnomAD compares: South Asian, 0.0014%; no homozygotes.

Submission:

Labcorp Genetics (formerly Invitae), Labcorp
Classification: Uncertain significance for Dyskeratosis congenita, autosomal dominant 1. Last evaluated: 2020-01-08. Review status: criteria provided, single submitter. Criteria: Invitae Variant Classification Sherloc (09022015). Collection method: clinical testing. Allele origin: germline.
Comment: This variant is located within the conserved regions 4 and 5 (CR4-CR5) domain of the TERC RNA component, which is required for telomerase activity (PMID: 15082312, 21844345). Functional studies testing the effect of this variant on TERC secondary structure or function have not been reported. In summary, the available evidence is currently insufficient to determine the role of this variant in disease. Therefore, it has been classified as a Variant of Uncertain Significance. This variant has not been reported in the literature in individuals with TERC-related conditions. The frequency data for this variant in the population databases is considered unreliable, as metrics indicate insufficient coverage at this position in the ExAC database. This variant occurs in the TERC gene, which encodes an RNA molecule that does not result in a protein product.

Literature cited by the submitters: PubMed 15082312; PubMed 21844345.

NC_000003.12:g.169764779C>T

Genes: TERC (telomerase RNA component; minus strand), LOC110806306 (telomerase RNA component (TERC) promoter; plus strand). Cytogenetic location: 3q26.2.
Variant type: single nucleotide variant.
Genome position: GRCh38 VCF-style: chr3-169764779-C-T. GRCh37 (hg19) VCF-style: chr3-169482567-C-T.
Identifiers: ClinVar variation 858038 (VCV000858038.10), dbSNP rs1777960488, ClinGen allele CA436715168.
Genomic context (GRCh38, chr3:169,764,779, plus strand): 5'-CCTCGCCCCCGAGAGACCCGCGGCTGACAGAGCCCAACTCTTCGCGGTGGCAGTGGGTGC[C>T]TCCGGAGAAGCCCCGGGCCGACCGCGGCCTCCAGGCGGGGTTCGGGGGCTGGGCAGGCGA-3'